The following is an entry in ClinVar:

NM_020458.4(TTC7A):c.2066T>C (p.Met689Thr)

Gene: TTC7A (tetratricopeptide repeat domain 7A; plus strand). Cytogenetic location: 2p21.
Variant type: single nucleotide variant.
Coding change: c.2066T>C on transcript NM_020458.4 (MANE Select); coding-DNA position 2066, T replaced by C.
Protein change: p.Met689Thr; replaces methionine 689 with threonine.
Molecular consequence: missense variant.
Genome position (GRCh38, 1-based): chr2:47,051,794, T>C. VCF-style: chr2-47051794-T-C. GRCh37 (hg19) VCF-style: chr2-47278933-T-C.
Other names: c.2138T>C, p.Met713Thr (NM_001288951.2); c.1964T>C, p.Met655Thr (NM_001288953.2); c.1004T>C, p.Met335Thr (NM_001288955.2); short protein forms M655T, M335T, M689T, M713T.
Identifiers: ClinVar variation 2142275 (VCV002142275.4), dbSNP rs2467087909, ClinGen allele CA346713722.

ClinVar aggregate classification (germline): Uncertain significance (1 of 4 stars; one submission).

Conditions:
Multiple gastrointestinal atresias. Also called: Multiple intestinal atresia; FAMILIAL INTESTINAL POLYATRESIA SYNDROME. Identifiers: Orphanet 2300, MedGen C0220744, MONDO:0009465.

Allele frequency attached by ClinVar (database versions not stated): gnomAD exomes below 0.00001.
gnomAD v4.1: 5 of 1,611,696 alleles (0.00031%); highest among the groups gnomAD compares: South Asian, 0.0033%; no homozygotes.

Submission:

Labcorp Genetics (formerly Invitae), Labcorp
Classification: Uncertain significance for Multiple gastrointestinal atresias. Last evaluated: 2022-08-19. Review status: criteria provided, single submitter. Criteria: Invitae Variant Classification Sherloc (09022015). Collection method: clinical testing. Allele origin: germline.
Comment: This sequence change replaces methionine, which is neutral and non-polar, with threonine, which is neutral and polar, at codon 689 of the TTC7A protein (p.Met689Thr). This variant is not present in population databases (gnomAD no frequency). This variant has not been reported in the literature in individuals affected with TTC7A-related conditions. Algorithms developed to predict the effect of missense changes on protein structure and function (SIFT, PolyPhen-2, Align-GVGD) all suggest that this variant is likely to be tolerated. In summary, the available evidence is currently insufficient to determine the role of this variant in disease. Therefore, it has been classified as a Variant of Uncertain Significance.